The following is an entry in ClinVar:

ClinVar aggregate classification (germline): Uncertain significance (1 of 4 stars; one submission).

Conditions:
Idiopathic generalized epilepsy. Also called: Generalised epilepsy; EIG. Identifiers: MedGen C0270850, MONDO:0005579, OMIM 600669.
Hyperaldosteronism, familial, type IV (HALD4). Also called: FH IV; ALDOSTERONISM, PRIMARY, AND HYPERTENSION. Identifiers: Orphanet 642671, MedGen C4310756, MONDO:0014875, OMIM 617027.

gnomAD v4.1: 5 of 1,612,886 alleles (0.00031%); highest among the groups gnomAD compares: East Asian, 0.0022%; no homozygotes.

Submission:

Labcorp Genetics (formerly Invitae), Labcorp
Classification: Uncertain significance for Idiopathic generalized epilepsy; Hyperaldosteronism, familial, type IV. Last evaluated: 2024-06-04. Review status: criteria provided, single submitter. Criteria: Invitae Variant Classification Sherloc (09022015). Collection method: clinical testing. Allele origin: germline.
Comment: This sequence change replaces proline, which is neutral and non-polar, with leucine, which is neutral and non-polar, at codon 1414 of the CACNA1H protein (p.Pro1414Leu). This variant is not present in population databases (gnomAD no frequency). This variant has not been reported in the literature in individuals affected with CACNA1H-related conditions. Advanced modeling of protein sequence and biophysical properties (such as structural, functional, and spatial information, amino acid conservation, physicochemical variation, residue mobility, and thermodynamic stability) performed at Invitae indicates that this missense variant is expected to disrupt CACNA1H protein function with a positive predictive value of 80%. In summary, the available evidence is currently insufficient to determine the role of this variant in disease. Therefore, it has been classified as a Variant of Uncertain Significance.

NM_021098.3(CACNA1H):c.4241C>T (p.Pro1414Leu)

Gene: CACNA1H (calcium voltage-gated channel subunit alpha1 H; plus strand). Cytogenetic location: 16p13.3.
Variant type: single nucleotide variant.
Coding change: c.4241C>T on transcript NM_021098.3 (MANE Select); coding-DNA position 4241, C replaced by T.
Protein change: p.Pro1414Leu; replaces proline 1414 with leucine.
Molecular consequence: missense variant.
Genome position (GRCh38, 1-based): chr16:1,211,185, C>T. VCF-style: chr16-1211185-C-T. GRCh37 (hg19) VCF-style: chr16-1261185-C-T.
Other names: c.4241C>T, p.Pro1414Leu (NM_001005407.2); short protein forms P1414L.
Identifiers: ClinVar variation 3748274 (VCV003748274.2).